The following is an entry in ClinVar:

NM_014845.6(FIG4):c.676A>G (p.Met226Val)

Gene: FIG4 (FIG4 phosphoinositide 5-phosphatase; plus strand). Cytogenetic location: 6q21.
Variant type: single nucleotide variant.
Coding change: c.676A>G on transcript NM_014845.6 (MANE Select); coding-DNA position 676, A replaced by G.
Protein change: p.Met226Val; replaces methionine 226 with valine.
Molecular consequence: missense variant.
Genome position (GRCh38, 1-based): chr6:109,738,354, A>G. VCF-style: chr6-109738354-A-G. GRCh37 (hg19) VCF-style: chr6-110059557-A-G.
Other names: short protein forms M226V.
Identifiers: ClinVar variation 1755330 (VCV001755330.4), dbSNP rs367828752, ClinGen allele CA145134239.

ClinVar aggregate classification (germline): Uncertain significance. Review status: criteria provided, multiple submitters, no conflicts (2 of 4 stars). 2 submissions from 2 submitters: Uncertain significance (2). Last evaluated 2022-03-24.

Conditions:
Inborn genetic diseases. Identifiers: MedGen C0950123, MeSH D030342.
Charcot-Marie-Tooth disease type 4. Also called: Charcot-Marie-Tooth disease, type IV; Charcot-Marie-Tooth, Type 4. Identifiers: Orphanet 64749, MedGen C4082197, MONDO:0018995.

Allele frequency attached by ClinVar (database versions not stated): TOPMed below 0.00001.
gnomAD v4.1: 16 of 1,609,500 alleles (0.00099%); highest among the groups gnomAD compares: African/African-American, 0.008%; no homozygotes.

Submissions (2):

Labcorp Genetics (formerly Invitae), Labcorp
Classification: Uncertain significance for Charcot-Marie-Tooth disease type 4. Last evaluated: 2022-03-24. Review status: criteria provided, single submitter. Criteria: Invitae Variant Classification Sherloc (09022015). Collection method: clinical testing. Allele origin: germline.
Comment: This sequence change replaces methionine, which is neutral and non-polar, with valine, which is neutral and non-polar, at codon 226 of the FIG4 protein (p.Met226Val). This variant is not present in population databases (gnomAD no frequency). This variant has not been reported in the literature in individuals affected with FIG4-related conditions. Algorithms developed to predict the effect of missense changes on protein structure and function (SIFT, PolyPhen-2, Align-GVGD) all suggest that this variant is likely to be tolerated. In summary, the available evidence is currently insufficient to determine the role of this variant in disease. Therefore, it has been classified as a Variant of Uncertain Significance.

Ambry Genetics
Classification: Uncertain significance for Inborn genetic diseases. Last evaluated: 2020-03-20. Review status: criteria provided, single submitter. Criteria: Ambry Variant Classification Scheme 2023. Collection method: clinical testing. Allele origin: germline.
Comment: The p.M226V variant (also known as c.676A>G), located in coding exon 7 of the FIG4 gene, results from an A to G substitution at nucleotide position 676. The methionine at codon 226 is replaced by valine, an amino acid with highly similar properties. This amino acid position is not well conserved in available vertebrate species. In addition, this alteration is predicted to be tolerated by in silico analysis. Since supporting evidence is limited at this time, the clinical significance of this alteration remains unclear.